The following is an entry in ClinVar:

NM_017649.5(CNNM2):c.1328C>A (p.Thr443Asn)

Gene: CNNM2 (cyclin and CBS domain divalent metal cation transport mediator 2; plus strand). Cytogenetic location: 10q24.32.
Variant type: single nucleotide variant.
Coding change: c.1328C>A on transcript NM_017649.5 (MANE Select); coding-DNA position 1328, C replaced by A.
Protein change: p.Thr443Asn; replaces threonine 443 with asparagine.
Molecular consequence: missense variant.
Genome position (GRCh38, 1-based): chr10:102,919,808, C>A. VCF-style: chr10-102919808-C-A. GRCh37 (hg19) VCF-style: chr10-104679565-C-A.
Other names: c.1328C>A, p.Thr443Asn (NM_199076.3, NM_199077.3); c.1328C>A (NM_017649.4); short protein forms T443N.
Identifiers: ClinVar variation 1433082 (VCV001433082.7), dbSNP rs764757429, ClinGen allele CA5670367.

ClinVar aggregate classification (germline): Uncertain significance. Review status: criteria provided, multiple submitters, no conflicts (2 of 4 stars). 2 submissions from 2 submitters: Uncertain significance (2). Last evaluated 2025-08-15.

Conditions:
CNNM2-related disorder. Also called: CNNM2-related condition.

Allele frequency attached by ClinVar (database versions not stated): ExAC 0.00001.
gnomAD v4.1: 5 of 1,614,238 alleles (0.00031%); highest among the groups gnomAD compares: Non-Finnish European, 0.00034%; no homozygotes.

Submissions (2):

PreventionGenetics, part of Exact Sciences
Classification: Uncertain significance for CNNM2-related condition. Last evaluated: 2025-08-15. Review status: criteria provided, single submitter. Criteria: ACMG Guidelines, 2015. Collection method: clinical testing. Allele origin: germline.
Comment: The CNNM2 c.1328C>A variant is predicted to result in the amino acid substitution p.Thr443Asn. To our knowledge, this variant has not been reported in the literature or in a large population database (gnomAD), indicating this variant is rare. At this time, the clinical significance of this variant is uncertain due to the absence of conclusive functional and genetic evidence.

Labcorp Genetics (formerly Invitae), Labcorp
Classification: Uncertain significance. Last evaluated: 2021-08-23. Review status: criteria provided, single submitter. Criteria: Invitae Variant Classification Sherloc (09022015). Collection method: clinical testing. Allele origin: germline.
Comment: In summary, the available evidence is currently insufficient to determine the role of this variant in disease. Therefore, it has been classified as a Variant of Uncertain Significance. Algorithms developed to predict the effect of missense changes on protein structure and function (SIFT, PolyPhen-2, Align-GVGD) all suggest that this variant is likely to be tolerated. This variant has not been reported in the literature in individuals affected with CNNM2-related conditions. This variant is present in population databases (rs764757429, ExAC 0.001%). This sequence change replaces threonine with asparagine at codon 443 of the CNNM2 protein (p.Thr443Asn). The threonine residue is moderately conserved and there is a small physicochemical difference between threonine and asparagine.